The following is an entry in ClinVar:

ClinVar aggregate classification (germline): Uncertain significance. Review status: criteria provided, multiple submitters, no conflicts (2 of 4 stars). 6 submissions from 6 submitters: Uncertain significance (6). Last evaluated 2024-08-28.

Conditions:
Cardiomyopathy (CMYO). Also called: Cardiomyopathies. Identifiers: Orphanet 167848, MedGen C0878544, MONDO:0004994, HP:0001638. Inheritance: Various modes of inheritance.
Primary familial hypertrophic cardiomyopathy (HCM). Identifiers: Orphanet 99739, MedGen C0949658, MeSH D024741, MONDO:0024573. Inheritance: Various modes of inheritance.
Hypertrophic cardiomyopathy. Also called: HYPERTROPHIC MYOCARDIOPATHY. Identifiers: Orphanet 217569, MedGen C0007194, MeSH D002312, MONDO:0005045, HP:0001639.

gnomAD v4.1: 1 of 1,612,340 alleles (0.000062%); highest among the groups gnomAD compares: Non-Finnish European, 0.000085%; no homozygotes.

Submissions (6):

Labcorp Genetics (formerly Invitae), Labcorp
Classification: Uncertain significance for Hypertrophic cardiomyopathy. Last evaluated: 2024-08-28. Review status: criteria provided, single submitter. Criteria: Invitae Variant Classification Sherloc (09022015). Collection method: clinical testing. Allele origin: germline.
Comment: This sequence change replaces proline, which is neutral and non-polar, with arginine, which is basic and polar, at codon 371 of the MYBPC3 protein (p.Pro371Arg). This variant is not present in population databases (gnomAD no frequency). This missense change has been observed in individual(s) with MYBPC3-related conditions (PMID: 20359594, 27483260, 27600940, 35208637). ClinVar contains an entry for this variant (Variation ID: 42505). An algorithm developed to predict the effect of missense changes on protein structure and function (PolyPhen-2) suggests that this variant is likely to be disruptive. This variant disrupts the p.Pro371 amino acid residue in MYBPC3. Other variant(s) that disrupt this residue have been observed in individuals with MYBPC3-related conditions (PMID: 32830170), which suggests that this may be a clinically significant amino acid residue. In summary, the available evidence is currently insufficient to determine the role of this variant in disease. Therefore, it has been classified as a Variant of Uncertain Significance.

All of Us Research Program, National Institutes of Health
Classification: Uncertain significance for Hypertrophic cardiomyopathy. Last evaluated: 2024-01-08. Review status: criteria provided, single submitter. Criteria: ACMG Guidelines, 2015. Collection method: clinical testing. Allele origin: germline. Inheritance: Autosomal dominant inheritance. Observed: 1 variant allele, 1 heterozygote.
Comment: This missense variant replaces proline with arginine at codon 371 of the MYBPC3 protein. Computational prediction suggests that this variant may have a deleterious impact on protein structure and function (internally defined REVEL score threshold >= 0.7, PMID: 27666373). To our knowledge, functional studies have not been reported for this variant. This variant has been reported in over 10 individuals affected with hypertrophic cardiomyopathy (PMID: 20359594, 32228044, 32841044). All of these individuals also carried the pathogenic p.Lys1065Glnfs*12 truncation variant in the same gene (ClinVar Variation ID: 42693). This p.Pro371Arg variant has not been identified in the general population by the Genome Aggregation Database (gnomAD). The available evidence is insufficient to determine the role of this variant in disease conclusively. Therefore, this variant is classified as a Variant of Uncertain Significance.

This study involves interpretation of variants in research participants for the purpose of population health screening. Participant phenotype was not available at the time of variant classification. Additional details can be found in publication PMID: 35346344, PMCID: PMC8962531

Color Diagnostics, LLC DBA Color Health
Classification: Uncertain significance for Cardiomyopathy. Last evaluated: 2023-10-24. Review status: criteria provided, single submitter. Criteria: ACMG Guidelines, 2015. Collection method: clinical testing. Allele origin: germline.
Comment: This missense variant replaces proline with arginine at codon 371 of the MYBPC3 protein. Computational prediction suggests that this variant may have a deleterious impact on protein structure and function (internally defined REVEL score threshold >= 0.7, PMID: 27666373). To our knowledge, functional studies have not been reported for this variant. This variant has been reported in over 10 individuals affected with hypertrophic cardiomyopathy (PMID: 20359594, 32228044, 32841044). All of these individuals also carried the pathogenic p.Lys1065Glnfs*12 truncation variant in the same gene (ClinVar Variation ID: 42693). This p.Pro371Arg variant has not been identified in the general population by the Genome Aggregation Database (gnomAD). The available evidence is insufficient to determine the role of this variant in disease conclusively. Therefore, this variant is classified as a Variant of Uncertain Significance.

GeneDx
Classification: Uncertain significance. Last evaluated: 2021-08-02. Review status: criteria provided, single submitter. Criteria: GeneDx Variant Classification Process June 2021. Collection method: clinical testing. Allele origin: germline. Affected: yes.
Comment: Reported in conjunction with the c.3192dupC pathogenic variant in the MYBPC3 gene in multiple individuals in association with HCM referred for genetic testing at GeneDx and in published literature (Girolami et al., 2010; Olivotto et al., 2011; Calore et al., 2015; Rubattu et al., 2016); Not observed in large population cohorts (Lek et al., 2016); In silico analysis, which includes protein predictors and evolutionary conservation, supports a deleterious effect This variant is associated with the following publications: (PMID: 28986452, 27600940, 28679633, 25740977, 21835320, 20359594, 27483260)

Laboratory for Molecular Medicine, Mass General Brigham Personalized Medicine
Classification: Uncertain significance. Last evaluated: 2016-09-01. Review status: criteria provided, single submitter. Criteria: LMM Criteria. Collection method: clinical testing. Allele origin: germline. Observed: 2 variant alleles.
Comment: Variant classified as Uncertain Significance - Favor Pathogenic. The p.Pro371Arg variant in MYBPC3 has been reported in 7 individuals with HCM (Girolami 2010, R ubattu 2016, Coppini 2014, LMM data), 3 of whom also carried the pathogenic p.Ly s1065fs variant. It was confirmed to be in cis (on the same allele) in two of th ese individuals, and both variants segregated with disease in 3 relatives, inclu ding 1 obligate carrier. The p.Lys1065fs variant has been detected several times in isolation (Girolami 2006*, Olivotto 2011*, Witjas-Paalberends 2013, LMM data ; *note that these manuscripts contain overlapping cohorts), suggesting that the p.Pro371Arg variant arose on its background in the compound heterozygotes. It i s unclear if the remaining 4 affected individuals also carry the p.Lys1065fs var iant. The p.Pro371Arg variant was absent from large population studies. Computat ional prediction tools and conservation analysis suggest that the p.Pro371Arg va riant may impact the protein, though this information is not predictive enough t o determine pathogenicity. In summary, while there is some suspicion for a patho genic role, the clinical significance of the p.Pro371Arg variant is uncertain.

Molecular Diagnostic Laboratory for Inherited Cardiovascular Disease, Montreal Heart Institute
Classification: Uncertain significance for Primary familial hypertrophic cardiomyopathy. Last evaluated: 2016-07-27. Review status: criteria provided, single submitter. Criteria: ACMG Guidelines, 2015. Collection method: clinical testing. Allele origin: germline. Affected: yes.

Literature cited by the submitters: PubMed 20359594 (cited by 4 submitters); PubMed 27483260 (cited by Labcorp Genetics (formerly Invitae), Labcorp and Laboratory for Molecular Medicine, Mass General Brigham Personalized Medicine); PubMed 27600940 (cited by Labcorp Genetics (formerly Invitae), Labcorp); PubMed 35208637 (cited by Labcorp Genetics (formerly Invitae), Labcorp); PubMed 32830170 (cited by Labcorp Genetics (formerly Invitae), Labcorp); PubMed 32228044 (cited by All of Us Research Program, National Institutes of Health and Color Diagnostics, LLC DBA Color Health); PubMed 32841044 (cited by All of Us Research Program, National Institutes of Health and Color Diagnostics, LLC DBA Color Health); PubMed 25524337 (cited by Laboratory for Molecular Medicine, Mass General Brigham Personalized Medicine); PubMed 21835320 (cited by Laboratory for Molecular Medicine, Mass General Brigham Personalized Medicine).

NM_000256.3(MYBPC3):c.1112C>G (p.Pro371Arg)

Gene: MYBPC3 (myosin binding protein C3; minus strand). Cytogenetic location: 11p11.2.
Variant type: single nucleotide variant.
Coding change: c.1112C>G on transcript NM_000256.3 (MANE Select); coding-DNA position 1112, C replaced by G.
Protein change: p.Pro371Arg; replaces proline 371 with arginine.
Molecular consequence: missense variant.
Genome position (GRCh38, 1-based): chr11:47,343,603, G>C on the plus strand (C>G on the coding strand, the complement: MYBPC3 is on the minus strand). VCF-style: chr11-47343603-G-C. GRCh37 (hg19) VCF-style: chr11-47365154-G-C.
Other names: short protein forms P371R.
Identifiers: ClinVar variation 42505 (VCV000042505.20), dbSNP rs397515887, ClinGen allele CA009783.
Genomic context (GRCh38, chr11:47,343,603, plus strand): 5'-TCATGGTCAGCCAGTTCCACGGTCAGCCGGATCTTGTGGCCTTTGCTCACCTGGTAGGCC[G>C]GCTCCAGCTTCTTCTGAAAGGCTGAGCACCACCCCTCAGCCCCGGCCACCCCACCGCCCG-3'
Protein context (NP_000247.2, residues 361-381): KSTAFQKKLE[Pro371Arg]AYQVSKGHKI